The following is an entry in ClinVar:

NM_004281.4(BAG3):c.791C>T (p.Ser264Phe)

Gene: BAG3 (BAG cochaperone 3; plus strand). Cytogenetic location: 10q26.11.
Variant type: single nucleotide variant.
Coding change: c.791C>T on transcript NM_004281.4 (MANE Select); coding-DNA position 791, C replaced by T.
Protein change: p.Ser264Phe; replaces serine 264 with phenylalanine.
Molecular consequence: missense variant.
Genome position (GRCh38, 1-based): chr10:119,672,538, C>T. VCF-style: chr10-119672538-C-T. GRCh37 (hg19) VCF-style: chr10-121432050-C-T.
Other names: short protein forms S264F.
Identifiers: ClinVar variation 4528224 (VCV004528224.1).

ClinVar aggregate classification (germline): Uncertain significance (1 of 4 stars; one submission).

Submission:

GeneDx
Classification: Uncertain significance. Last evaluated: 2025-05-10. Review status: criteria provided, single submitter. Criteria: GeneDx Variant Classification Process June 2021. Collection method: clinical testing. Allele origin: germline. Affected: yes.
Comment: Not observed at significant frequency in large population cohorts (gnomAD); In silico analysis supports that this missense variant has a deleterious effect on protein structure/function; Has not been previously published as pathogenic or benign to our knowledge